The following is an entry in ClinVar:

ClinVar aggregate classification (germline): Pathogenic (1 of 4 stars; one submission).

Conditions:
Hereditary breast ovarian cancer syndrome. Also called: BRCA1- and BRCA2-Associated Hereditary Breast and Ovarian Cancer; Hereditary breast and ovarian cancer; Hereditary breast and ovarian cancer syndrome (HBOC); Hereditary breast and ovarian cancer syndrome; Hereditary breast and/or ovarian cancer syndrome; Breast and ovarian cancer. Identifiers: Orphanet 145, MedGen C0677776, MeSH D061325, MONDO:0003582. Disease mechanism: loss of function.

Submission:

Labcorp Genetics (formerly Invitae), Labcorp
Classification: Pathogenic for Hereditary breast ovarian cancer syndrome. Last evaluated: 2025-01-12. Review status: criteria provided, single submitter. Criteria: Invitae Variant Classification Sherloc (09022015). Collection method: clinical testing. Allele origin: germline.
Comment: This sequence change creates a premature translational stop signal (p.His2876Leufs*15) in the BRCA2 gene. It is expected to result in an absent or disrupted protein product. Loss-of-function variants in BRCA2 are known to be pathogenic (PMID: 20104584). This variant is not present in population databases (gnomAD no frequency). This variant has not been reported in the literature in individuals affected with BRCA2-related conditions. ClinVar contains an entry for this variant (Variation ID: 2700750). For these reasons, this variant has been classified as Pathogenic.

Literature cited by the submitters: PubMed 20104584.

NM_000059.4(BRCA2):c.8627del (p.His2876fs)

Gene: BRCA2 (BRCA2 DNA repair associated; plus strand). Cytogenetic location: 13q13.1.
Variant type: Deletion.
Coding change: c.8627del on transcript NM_000059.4 (MANE Select); coding-DNA position 8627, one base deleted (A; older notation c.8627delA).
Protein change: p.His2876fs; shifts the reading frame from histidine 2876.
Molecular consequence: frameshift variant. On other transcripts: non-coding transcript variant (1).
Genome position (GRCh38, 1-based): chr13:32,371,095, A deleted. VCF-style (leftmost placement, unchanged base first): chr13-32371094-CA-C. GRCh37 (hg19) VCF-style: chr13-32945231-CA-C.
Other names: c.8531del, p.His2844fs (NM_001406719.1); c.8627del, p.His2876fs (NM_001406720.1); c.3695del, p.His1232fs (NM_001406721.1); c.2210del, p.His737fs (NM_001406722.1); short protein forms H1232fs, H2876fs, H2844fs, H737fs.
Identifiers: ClinVar variation 2700750 (VCV002700750.3), dbSNP rs2548550913, ClinGen allele CA2697551762.
Genomic context (GRCh38, chr13:32,371,094, plus strand): 5'-GAGGCCCAACAAAAGAGACTAGAAGCCTTATTCACTAAAATTCAGGAGGAATTTGAAGAA[CA>C]TGAAGGTAAAATTAGTTATATGGTACACATTGTTATTTCTAATATGAGAACAAAGTCTTA-3'